The following is an entry in ClinVar:

ClinVar aggregate classification (germline): Uncertain significance (1 of 4 stars; one submission).

Conditions:
Inborn genetic diseases. Identifiers: MedGen C0950123, MeSH D030342.

Allele frequency attached by ClinVar (database versions not stated): ExAC 0.00001; gnomAD exomes 0.00001.
gnomAD v4.1: 7 of 1,602,048 alleles (0.00044%); highest among the groups gnomAD compares: Non-Finnish European, 0.0006%; no homozygotes.

Submission:

Ambry Genetics
Classification: Uncertain significance for Inborn genetic diseases. Last evaluated: 2021-12-29. Review status: criteria provided, single submitter. Criteria: Ambry Variant Classification Scheme 2023. Collection method: clinical testing. Allele origin: germline.
Comment: The p.E217Q variant (also known as c.649G>C), located in coding exon 8 of the DNAJB2 gene, results from a G to C substitution at nucleotide position 649. The glutamic acid at codon 217 is replaced by glutamine, an amino acid with highly similar properties. This amino acid position is conserved. In addition, this alteration is predicted to be tolerated by in silico analysis. Since supporting evidence is limited at this time, the clinical significance of this alteration remains unclear.

NM_006736.6(DNAJB2):c.649G>C (p.Glu217Gln)

Gene: DNAJB2 (DnaJ heat shock protein family (Hsp40) member B2; plus strand). Cytogenetic location: 2q35.
Variant type: single nucleotide variant.
Coding change: c.649G>C on transcript NM_006736.6 (MANE Select); coding-DNA position 649, G replaced by C.
Protein change: p.Glu217Gln; replaces glutamic acid 217 with glutamine.
Molecular consequence: missense variant.
Genome position (GRCh38, 1-based): chr2:219,284,661, G>C. VCF-style: chr2-219284661-G-C. GRCh37 (hg19) VCF-style: chr2-220149383-G-C.
Other names: c.649G>C, p.Glu217Gln (NM_001039550.2); short protein forms E217Q.
Identifiers: ClinVar variation 1753887 (VCV001753887.2), dbSNP rs781631654, ClinGen allele CA2123072.